The following is an entry in ClinVar:

NM_015443.4(KANSL1):c.1516C>G (p.His506Asp)

Gene: KANSL1 (KAT8 regulatory NSL complex subunit 1). Cytogenetic location: 17q21.31.
Variant type: single nucleotide variant.
Coding change: c.1516C>G on transcript NM_015443.4 (MANE Select); coding-DNA position 1516, C replaced by G.
Protein change: p.His506Asp; replaces histidine 506 with aspartic acid.
Molecular consequence: missense variant. On other transcripts: intron variant (4).
Genome position (GRCh38, 1-based): chr17:46,082,458, G>C on the plus strand (C>G on the coding strand, the complement: KANSL1 is on the minus strand). VCF-style: chr17-46082458-G-C. GRCh37 (hg19) VCF-style: chr17-44159824-G-C.
Other names: c.1516C>G, p.His506Asp (NM_001193465.2, NM_001193466.2, NM_001379198.1 and 14 more transcripts); c.250C>G, p.His84Asp (NM_001405882.1, NM_001405883.1, NM_001405884.1 and 1 more transcripts); c.1431+12102C>G (NM_001405881.1, NM_001405861.1, NM_001405859.1 and 1 more transcripts); short protein forms H506D, H84D.
Identifiers: ClinVar variation 3355356 (VCV003355356.1).
Genomic context (GRCh38, chr17:46,082,458, plus strand): 5'-CTTAATTCTCACGCATTTCCCCCTTTCTATCTTTTATACTTACCAATTTATCAGTCCCAT[G>C]ATCTGTCTTCACCTCAGAACTAAGTGGAAGAAATAAGTCTGTTGTATGCTCTGGGGGAGG-3'
Protein context (NP_056258.1, residues 496-516): LPLSSEVKTD[His506Asp]GTDKLIESVS

ClinVar aggregate classification (germline): Uncertain significance (0 of 4 stars; one submission).

Conditions:
KANSL1-related disorder. Also called: KANSL1-related condition.

gnomAD v4.1: 2 of 1,608,756 alleles (0.00012%); highest among the groups gnomAD compares: African/African-American, 0.0013%; no homozygotes.

Submission:

PreventionGenetics, part of Exact Sciences
Classification: Uncertain significance for KANSL1-related condition. Last evaluated: 2024-06-19. Review status: no assertion criteria provided. Collection method: clinical testing. Allele origin: germline.
Comment: The KANSL1 c.1516C>G variant is predicted to result in the amino acid substitution p.His506Asp. To our knowledge, this variant has not been reported in the literature or in a large population database, indicating this variant is rare. At this time, the clinical significance of this variant is uncertain due to the absence of conclusive functional and genetic evidence.